The following is an entry in ClinVar:

NM_002834.5(PTPN11):c.565T>G (p.Ser189Ala)

Gene: PTPN11 (protein tyrosine phosphatase non-receptor type 11; plus strand). Cytogenetic location: 12q24.13.
Variant type: single nucleotide variant.
Coding change: c.565T>G on transcript NM_002834.5 (MANE Select); coding-DNA position 565, T replaced by G.
Protein change: p.Ser189Ala; replaces serine 189 with alanine.
Molecular consequence: missense variant.
Genome position (GRCh38, 1-based): chr12:112,454,603, T>G. VCF-style: chr12-112454603-T-G. GRCh37 (hg19) VCF-style: chr12-112892407-T-G.
Other names: c.565T>G, p.Ser189Ala (NM_001330437.2, NM_080601.3); c.562T>G, p.Ser188Ala (NM_001374625.1); short protein forms S188A, S189A.
Identifiers: ClinVar variation 1327330 (VCV001327330.2), dbSNP rs79068130, ClinGen allele CA6798579.

ClinVar aggregate classification (germline): Uncertain significance (1 of 4 stars; one submission).

Allele frequency attached by ClinVar (database versions not stated): gnomAD exomes below 0.00001; ExAC 0.00274.
gnomAD v4.1: 1 of 1,613,874 alleles (0.000062%); highest among the groups gnomAD compares: Non-Finnish European, 0.000085%; no homozygotes.

Submission:

GeneDx
Classification: Uncertain significance. Last evaluated: 2021-11-30. Review status: criteria provided, single submitter. Criteria: GeneDx Variant Classification Process June 2021. Collection method: clinical testing. Allele origin: germline. Affected: yes.
Comment: Published functional studies demonstrate this variant has an effect on PKA phosphorylation and protein tyrosine phosphatase (PTP) activity (Burmeister 2015); In silico analysis supports that this missense variant does not alter protein structure/function; Missense variants in this gene are often considered pathogenic (Stenson et al., 2014); This variant is associated with the following publications: (PMID: 31188922, 25802336, 29493581)